The following is an entry in ClinVar:

NM_014252.4(SLC25A15):c.773A>G (p.Lys258Arg)

Gene: SLC25A15 (solute carrier family 25 member 15; plus strand). Cytogenetic location: 13q14.11.
Variant type: single nucleotide variant.
Coding change: c.773A>G on transcript NM_014252.4 (MANE Select); coding-DNA position 773, A replaced by G.
Protein change: p.Lys258Arg; replaces lysine 258 with arginine.
Molecular consequence: missense variant.
Genome position (GRCh38, 1-based): chr13:40,808,588, A>G. VCF-style: chr13-40808588-A-G. GRCh37 (hg19) VCF-style: chr13-41382724-A-G.
Other names: short protein forms K258R.
Identifiers: ClinVar variation 4745056 (VCV004745056.1).
Genomic context (GRCh38, chr13:40,808,588, plus strand): 5'-AAGTTCTTTCCATGTCTGGAAAACAGGCAGGATTTATCAGAACCTTTATAAATGTTGTGA[A>G]AAATGAAGGTGAGTAAATACCTGTTTTTCAAGCATCTATATACATCTTAAAATCTGAGAT-3'
Protein context (NP_055067.1, residues 248-268): GFIRTFINVV[Lys258Arg]NEGITALYSG

ClinVar aggregate classification (germline): Uncertain significance (1 of 4 stars; one submission).

Conditions:
Hyperornithinemia-hyperammonemia-homocitrullinuria syndrome (HHHS). Also called: HHH SYNDROME; Ornithine translocase deficiency. Identifiers: Orphanet 415, MedGen C0268540, MONDO:0009393, OMIM 238970.

Submission:

Labcorp Genetics (formerly Invitae), Labcorp
Classification: Uncertain significance for Hyperornithinemia-hyperammonemia-homocitrullinuria syndrome. Last evaluated: 2025-04-23. Review status: criteria provided, single submitter. Criteria: Invitae Variant Classification Sherloc (09022015). Collection method: clinical testing. Allele origin: germline.
Comment: This sequence change replaces lysine, which is basic and polar, with arginine, which is basic and polar, at codon 258 of the SLC25A15 protein (p.Lys258Arg). This variant is not present in population databases (gnomAD no frequency). This variant has not been reported in the literature in individuals affected with SLC25A15-related conditions. Invitae Evidence Modeling of protein sequence and biophysical properties (such as structural, functional, and spatial information, amino acid conservation, physicochemical variation, residue mobility, and thermodynamic stability) indicates that this missense variant is not expected to disrupt SLC25A15 protein function with a negative predictive value of 95%. In summary, the available evidence is currently insufficient to determine the role of this variant in disease. Therefore, it has been classified as a Variant of Uncertain Significance.